The following is an entry in ClinVar:

NM_001374504.1(TMPRSS6):c.900G>A (p.Ala300=)

Gene: TMPRSS6 (transmembrane serine protease 6; minus strand). Cytogenetic location: 22q12.3.
Variant type: single nucleotide variant.
Coding change: c.900G>A on transcript NM_001374504.1 (MANE Select); coding-DNA position 900, G replaced by A.
Protein change: p.Ala300=; no amino-acid change (alanine 300 retained).
Molecular consequence: synonymous variant.
Genome position (GRCh38, 1-based): chr22:37,086,356, C>T on the plus strand (G>A on the coding strand, the complement: TMPRSS6 is on the minus strand). VCF-style: chr22-37086356-C-T. GRCh37 (hg19) VCF-style: chr22-37482396-C-T.
Other names: c.927G>A (NM_153609.3); c.900G>A, p.Ala300= (NM_001289000.2, NM_001289001.2, NM_153609.4).
Identifiers: ClinVar variation 2710530 (VCV002710530.5), dbSNP rs375746107, ClinGen allele CA10215853.
Genomic context (GRCh38, chr22:37,086,356, plus strand): 5'-CGGCTGCACGGAGAGCACGAAGGGGTCGTAGTAGCTGTGCAGGCCCTTCTTCCAGACGAC[C>T]GCCATGATGGCCCCCGACGCCAGAACCTCCACCACGGGCTCCTGGCGGCTGCAGCCGTAC-3'
Protein context (NP_001361433.1, residues 290-310): VEVLASGAIM[Ala300=]VVWKKGLHSY

ClinVar aggregate classification (germline): Likely benign. Review status: criteria provided, single submitter (1 of 4 stars). 2 submissions from 2 submitters: Likely benign (1). 1 of the submissions does not count toward it. Last evaluated 2022-11-14.

Conditions:
TMPRSS6-related disorder. Also called: TMPRSS6-related condition.

Allele frequency attached by ClinVar (database versions not stated): ESP Exome Variant Server 0.00008.
gnomAD v4.1: 93 of 1,613,164 alleles (0.0058%); highest among the groups gnomAD compares: East Asian, 0.031%; no homozygotes.

Submissions (2):

Labcorp Genetics (formerly Invitae), Labcorp
Classification: Likely benign. Last evaluated: 2022-11-14. Review status: criteria provided, single submitter. Criteria: Invitae Variant Classification Sherloc (09022015). Collection method: clinical testing. Allele origin: germline.

PreventionGenetics, part of Exact Sciences
Classification: Likely benign for TMPRSS6-related condition. Last evaluated: 2022-11-22. Review status: no assertion criteria provided. Collection method: clinical testing. Allele origin: germline. Not counted in ClinVar's aggregate classification.
Comment: This variant is classified as likely benign based on ACMG/AMP sequence variant interpretation guidelines (Richards et al. 2015 PMID: 25741868, with internal and published modifications).